The following is an entry in ClinVar:

ClinVar aggregate classification (germline): Uncertain significance (1 of 4 stars; one submission).

Conditions:
OPA1-related disorder. Also called: OPA1-related condition; OPA1-related disorders.

Submission:

PreventionGenetics, part of Exact Sciences
Classification: Uncertain significance for OPA1-related condition. Last evaluated: 2022-10-24. Review status: criteria provided, single submitter. Criteria: ACMG Guidelines, 2015. Collection method: clinical testing. Allele origin: germline.
Comment: The OPA1 c.1985G>T variant is predicted to result in the amino acid substitution p.Ser662Ile. To our knowledge, this variant has not been reported in the literature or in a large population database, indicating this variant is rare. At this time, the clinical significance of this variant is uncertain due to the absence of conclusive functional and genetic evidence.

NM_130837.3(OPA1):c.1985G>T (p.Ser662Ile)

Gene: OPA1 (OPA1 mitochondrial dynamin like GTPase; plus strand). Cytogenetic location: 3q29.
Variant type: single nucleotide variant.
Coding change: c.1985G>T on transcript NM_130837.3 (MANE Select); coding-DNA position 1985, G replaced by T.
Protein change: p.Ser662Ile; replaces serine 662 with isoleucine.
Molecular consequence: missense variant.
Genome position (GRCh38, 1-based): chr3:193,648,844, G>T. VCF-style: chr3-193648844-G-T. GRCh37 (hg19) VCF-style: chr3-193366633-G-T.
Other names: c.1451G>T, p.Ser484Ile (NM_001354663.2); c.1448G>T, p.Ser483Ile (NM_001354664.2); c.1820G>T, p.Ser607Ile (NM_015560.3); c.1712G>T, p.Ser571Ile (NM_130831.3); c.1766G>T, p.Ser589Ile (NM_130832.3); c.1823G>T, p.Ser608Ile (NM_130833.3); c.1874G>T, p.Ser625Ile (NM_130834.3); c.1877G>T, p.Ser626Ile (NM_130835.3); and 1 more; short protein forms S483I, S484I, S571I, S589I, S607I, S608I, S625I, S626I.
Identifiers: ClinVar variation 2634808 (VCV002634808.1), dbSNP rs2109083949, ClinGen allele CA355790888.